The following is an entry in ClinVar:

NM_002979.5(SCP2):c.1215G>A (p.Met405Ile)

Gene: SCP2 (sterol carrier protein 2; plus strand). Cytogenetic location: 1p32.3.
Variant type: single nucleotide variant.
Coding change: c.1215G>A on transcript NM_002979.5 (MANE Select); coding-DNA position 1215, G replaced by A.
Protein change: p.Met405Ile; replaces methionine 405 with isoleucine.
Molecular consequence: missense variant. On other transcripts: initiator codon variant (3).
Genome position (GRCh38, 1-based): chr1:53,015,023, G>A. VCF-style: chr1-53015023-G-A. GRCh37 (hg19) VCF-style: chr1-53480695-G-A.
Other names: c.3G>A, p.Met1Ile (NM_001007099.3, NM_001007100.3, NM_001007250.3); c.1143G>A, p.Met381Ile (NM_001193599.2); c.1083G>A, p.Met361Ile (NM_001193600.2); c.972G>A, p.Met324Ile (NM_001193617.2); short protein forms M1I, M361I, M405I, M324I, M381I.
Identifiers: ClinVar variation 2119362 (VCV002119362.5), dbSNP rs2524884999, ClinGen allele CA340386005.
Genomic context (GRCh38, chr1:53,015,023, plus strand): 5'-GGTGGCTCTGCAGCATAATTTAGGCATTGGAGGAGCTGTGGTTGTAACACTCTACAAGAT[G>A]GGTTTTCCGGAAGCCGCCAGGTGAGTGACATTCAGAGTTTTGTGTGTCAGTTAATCCTTC-3'
Protein context (NP_002970.2, residues 395-415): GGAVVVTLYK[Met405Ile]GFPEAASSFR

ClinVar aggregate classification (germline): Uncertain significance (1 of 4 stars; one submission).

Submission:

Labcorp Genetics (formerly Invitae), Labcorp
Classification: Uncertain significance. Last evaluated: 2025-01-20. Review status: criteria provided, single submitter. Criteria: Invitae Variant Classification Sherloc (09022015). Collection method: clinical testing. Allele origin: germline.
Comment: This sequence change replaces methionine, which is neutral and non-polar, with isoleucine, which is neutral and non-polar, at codon 405 of the SCP2 protein (p.Met405Ile). This variant is not present in population databases (gnomAD no frequency). This variant has not been reported in the literature in individuals affected with SCP2-related conditions. ClinVar contains an entry for this variant (Variation ID: 2119362). An algorithm developed to predict the effect of missense changes on protein structure and function (PolyPhen-2) suggests that this variant is likely to be tolerated. In summary, the available evidence is currently insufficient to determine the role of this variant in disease. Therefore, it has been classified as a Variant of Uncertain Significance.